The following is an entry in ClinVar:

ClinVar aggregate classification (germline): Uncertain significance (1 of 4 stars; one submission).

Conditions:
Cardiovascular phenotype. Identifiers: MedGen CN230736.

Submission:

Ambry Genetics
Classification: Uncertain significance for Cardiovascular phenotype. Last evaluated: 2021-09-22. Review status: criteria provided, single submitter. Criteria: Ambry Variant Classification Scheme 2023. Collection method: clinical testing. Allele origin: germline.
Comment: The c.579+1G>C intronic variant results from a G to C substitution one nucleotide after coding exon 11 of the TNNT2 gene. This nucleotide position is highly conserved in available vertebrate species. In silico splice site analysis predicts that this alteration will weaken the native splice donor site. Alterations that disrupt the canonical splice site are expected to cause aberrant splicing, resulting in an abnormal protein or a transcript that is subject to nonsense-mediated mRNA decay. However, loss of function of TNNT2 has not been clearly established as a mechanism of disease. Since supporting evidence is limited at this time, the clinical significance of this alteration remains unclear.

NM_001276345.2(TNNT2):c.609+1G>C

Gene: TNNT2 (troponin T2, cardiac type; minus strand). Cytogenetic location: 1q32.1.
Variant type: single nucleotide variant.
Coding change: c.609+1G>C on transcript NM_001276345.2 (MANE Select); the canonical splice donor site of the intron after coding-DNA position 609, G replaced by C.
Molecular consequence: splice donor variant. On other transcripts: intron variant (6).
Genome position (GRCh38, 1-based): chr1:201,362,385, C>G on the plus strand (G>C on the coding strand, the complement: TNNT2 is on the minus strand). VCF-style: chr1-201362385-C-G. GRCh37 (hg19) VCF-style: chr1-201331513-C-G.
Other names: c.571-363G>C (NM_001406727.1, NM_001001431.3, NM_001406726.1); c.579+1G>C (NM_001406724.1, NM_001001430.3, NM_001276347.2); c.561+1G>C (NM_001001432.3); c.564+1G>C (NM_001406728.1); c.576+1G>C (NM_001406725.1); c.481-363G>C (NM_001276346.2); c.601-363G>C (NM_000364.4, NM_001406723.1).
Identifiers: ClinVar variation 1749656 (VCV001749656.2), dbSNP rs2526953679, ClinGen allele CA344204151.